The following is an entry in ClinVar:

NM_000256.3(MYBPC3):c.365C>A (p.Ala122Asp)

Gene: MYBPC3 (myosin binding protein C3; minus strand). Cytogenetic location: 11p11.2.
Variant type: single nucleotide variant.
Coding change: c.365C>A on transcript NM_000256.3 (MANE Select); coding-DNA position 365, C replaced by A.
Protein change: p.Ala122Asp; replaces alanine 122 with aspartic acid.
Molecular consequence: missense variant.
Genome position (GRCh38, 1-based): chr11:47,350,543, G>T on the plus strand (C>A on the coding strand, the complement: MYBPC3 is on the minus strand). VCF-style: chr11-47350543-G-T. GRCh37 (hg19) VCF-style: chr11-47372094-G-T.
Other names: short protein forms A122D.
Identifiers: ClinVar variation 1733658 (VCV001733658.7), dbSNP rs867419007, ClinGen allele CA221707738.
Genomic context (GRCh38, chr11:47,350,543, plus strand): 5'-CCTGCCCAGCCCCTCTCACCTTTGGGACTTGGGGCACTTTCTCCCAGCTCAGCGGCTGGG[G>T]CCGGGGCTTCTCCAGGGGCTCCAGTGGCCTCAGCAGGGGCAGGGGCAGGGGCCAGCATGG-3'
Protein context (NP_000247.2, residues 112-132): EATGAPGEAP[Ala122Asp]PAAELGESAP

ClinVar aggregate classification (germline): Uncertain significance. Review status: criteria provided, multiple submitters, no conflicts (2 of 4 stars). 3 submissions from 3 submitters: Uncertain significance (3). Last evaluated 2025-12-08.

Conditions:
Hypertrophic cardiomyopathy. Also called: HYPERTROPHIC MYOCARDIOPATHY. Identifiers: Orphanet 217569, MedGen C0007194, MeSH D002312, MONDO:0005045, HP:0001639.
Cardiovascular phenotype. Identifiers: MedGen CN230736.
Cardiomyopathy (CMYO). Also called: Cardiomyopathies. Identifiers: Orphanet 167848, MedGen C0878544, MONDO:0004994, HP:0001638. Inheritance: Various modes of inheritance.

Allele frequency attached by ClinVar (database versions not stated): gnomAD 0.00001.
gnomAD v4.1: 5 of 1,553,512 alleles (0.00032%); highest among the groups gnomAD compares: African/African-American, 0.007%; no homozygotes.

Submissions (3):

Labcorp Genetics (formerly Invitae), Labcorp
Classification: Uncertain significance for Hypertrophic cardiomyopathy. Last evaluated: 2025-12-08. Review status: criteria provided, single submitter. Criteria: Invitae Variant Classification Sherloc (09022015). Collection method: clinical testing. Allele origin: germline.
Comment: This sequence change replaces alanine, which is neutral and non-polar, with aspartic acid, which is acidic and polar, at codon 122 of the MYBPC3 protein (p.Ala122Asp). This variant is present in population databases (no rsID available, gnomAD 0.01%). This missense change has been observed in individual(s) with hypertrophic cardiomyopathy (PMID: 27532257, 37652022). ClinVar contains an entry for this variant (Variation ID: 1733658). An algorithm developed to predict the effect of missense changes on protein structure and function (PolyPhen-2) suggests that this variant is likely to be tolerated. In summary, the available evidence is currently insufficient to determine the role of this variant in disease. Therefore, it has been classified as a Variant of Uncertain Significance.

Color Diagnostics, LLC DBA Color Health
Classification: Uncertain significance for Cardiomyopathy. Last evaluated: 2025-09-11. Review status: criteria provided, single submitter. Criteria: ACMG Guidelines, 2015. Collection method: clinical testing. Allele origin: germline.
Comment: This missense variant replaces alanine with aspartic acid at codon 122 of the MYBPC3 protein. Computational prediction suggests that this variant may not impact protein structure and function. To our knowledge, functional studies have not been reported for this variant. This variant has been reported in an individual affected with hypertrophic cardiomyopathy (PMID: 27532257). This variant has been identified in 1/31354 chromosomes in the general population by the Genome Aggregation Database (gnomAD). The available evidence is insufficient to determine the role of this variant in disease conclusively. Therefore, this variant is classified as a Variant of Uncertain Significance.

Ambry Genetics
Classification: Uncertain significance for Cardiovascular phenotype. Last evaluated: 2024-11-05. Review status: criteria provided, single submitter. Criteria: Ambry Variant Classification Scheme 2023. Collection method: clinical testing. Allele origin: germline.
Comment: The p.A122D variant (also known as c.365C>A), located in coding exon 3 of the MYBPC3 gene, results from a C to A substitution at nucleotide position 365. The alanine at codon 122 is replaced by aspartic acid, an amino acid with dissimilar properties. This variant was reported in one hypertrophic cardiomyopathy (HCM) case from a genetic testing cohort; however, clinical details were limited (Walsh R et al. Genet Med, 2017 02;19:192-203). This amino acid position is not well conserved in available vertebrate species. In addition, this alteration is predicted to be tolerated by in silico analysis. Since supporting evidence is limited at this time, the clinical significance of this alteration remains unclear.

Literature cited by the submitters: PubMed 27532257 (cited by 3 submitters); PubMed 37652022 (cited by Labcorp Genetics (formerly Invitae), Labcorp).